The following is an entry in ClinVar:

ClinVar aggregate classification (germline): Uncertain significance. Review status: criteria provided, multiple submitters, no conflicts (2 of 4 stars). 2 submissions from 2 submitters: Uncertain significance (2). Last evaluated 2025-10-26.

Conditions:
Inborn genetic diseases. Identifiers: MedGen C0950123, MeSH D030342.
Brachyolmia-amelogenesis imperfecta syndrome. Also called: PLATYSPONDYLY WITH AMELOGENESIS IMPERFECTA; Tooth agenesis, selective, 6; Dental anomalies and short stature. Identifiers: Orphanet 2899, MedGen C1832594, MONDO:0011018, OMIM 601216. Disease mechanism: loss of function.

Submissions (2):

Ambry Genetics
Classification: Uncertain significance for Inborn genetic diseases. Last evaluated: 2025-10-26. Review status: criteria provided, single submitter. Criteria: Ambry Variant Classification Scheme 2023. Collection method: clinical testing. Allele origin: germline.
Comment: The p.H816Y variant (also known as c.2446C>T), located in coding exon 17 of the LTBP3 gene, results from a C to T substitution at nucleotide position 2446. The histidine at codon 816 is replaced by tyrosine, an amino acid with similar properties. This amino acid position is conserved. In addition, this alteration is predicted to be tolerated by in silico analysis. Based on the available evidence, the clinical significance of this variant remains unclear.

Labcorp Genetics (formerly Invitae), Labcorp
Classification: Uncertain significance for Brachyolmia-amelogenesis imperfecta syndrome. Last evaluated: 2024-03-31. Review status: criteria provided, single submitter. Criteria: Invitae Variant Classification Sherloc (09022015). Collection method: clinical testing. Allele origin: germline.
Comment: This sequence change replaces histidine, which is basic and polar, with tyrosine, which is neutral and polar, at codon 816 of the LTBP3 protein (p.His816Tyr). This variant is not present in population databases (gnomAD no frequency). This variant has not been reported in the literature in individuals affected with LTBP3-related conditions. An algorithm developed to predict the effect of missense changes on protein structure and function (PolyPhen-2) suggests that this variant is likely to be tolerated. In summary, the available evidence is currently insufficient to determine the role of this variant in disease. Therefore, it has been classified as a Variant of Uncertain Significance.

NM_001130144.3(LTBP3):c.2446C>T (p.His816Tyr)

Gene: LTBP3 (latent transforming growth factor beta binding protein 3; minus strand). Cytogenetic location: 11q13.1.
Variant type: single nucleotide variant.
Coding change: c.2446C>T on transcript NM_001130144.3 (MANE Select); coding-DNA position 2446, C replaced by T.
Protein change: p.His816Tyr; replaces histidine 816 with tyrosine.
Molecular consequence: missense variant.
Genome position (GRCh38, 1-based): chr11:65,543,457, G>A on the plus strand (C>T on the coding strand, the complement: LTBP3 is on the minus strand). VCF-style: chr11-65543457-G-A. GRCh37 (hg19) VCF-style: chr11-65310928-G-A.
Other names: c.2446C>T (NM_001130144.2); c.2095C>T, p.His699Tyr (NM_001164266.1); c.2446C>T, p.His816Tyr (NM_021070.4); short protein forms H699Y, H816Y.
Identifiers: ClinVar variation 2892571 (VCV002892571.4), dbSNP rs1045258731, ClinGen allele CA223962136.